The following is an entry in ClinVar:

NM_017875.4(SLC25A38):c.239C>G (p.Thr80Arg)

Gene: SLC25A38 (solute carrier family 25 member 38; plus strand). Cytogenetic location: 3p22.1.
Variant type: single nucleotide variant.
Coding change: c.239C>G on transcript NM_017875.4 (MANE Select); coding-DNA position 239, C replaced by G.
Protein change: p.Thr80Arg; replaces threonine 80 with arginine.
Molecular consequence: missense variant.
Genome position (GRCh38, 1-based): chr3:39,390,470, C>G. VCF-style: chr3-39390470-C-G. GRCh37 (hg19) VCF-style: chr3-39431961-C-G.
Other names: p.Thr80Arg; c.239C>G, p.Thr80Arg (LRG_1133t1, NM_001354798.2); short protein forms T80R.
Identifiers: ClinVar variation 345145 (VCV000345145.46), dbSNP rs144149294, ClinGen allele CA2327393.

ClinVar aggregate classification (germline): Conflicting classifications of pathogenicity. Review status: criteria provided, conflicting classifications (1 of 4 stars). 6 submissions from 6 submitters: Uncertain significance (1); Benign (3); Likely benign (2). Last evaluated 2026-07-01.

Conditions:
Inborn genetic diseases. Identifiers: MedGen C0950123, MeSH D030342.
Sideroblastic anemia 2. Also called: Anemia, sideroblastic, 2, pyridoxine-refractory. Identifiers: Orphanet 260305, MedGen C4225425, MONDO:0008785, OMIM 205950.

Allele frequency attached by ClinVar (database versions not stated): 1000 Genomes Project 30x 0.00250; 1000 Genomes Project 0.00260; gnomAD 0.00385; TOPMed 0.00489; ESP Exome Variant Server 0.00538.
gnomAD v4.1: 12,602 of 1,614,130 alleles (0.78%); highest among the groups gnomAD compares: Non-Finnish European, 0.98%; 66 homozygotes.

Submissions (6):

CeGaT Center for Human Genetics Tuebingen
Classification: Likely benign. Last evaluated: 2026-07-01. Review status: criteria provided, single submitter. Criteria: CeGaT Center For Human Genetics Tuebingen Variant Classification Criteria Version 2. Collection method: clinical testing. Allele origin: germline. Affected: yes. Observed: 10 variant alleles.
Comment: SLC25A38: BS2

Labcorp Genetics (formerly Invitae), Labcorp
Classification: Benign. Last evaluated: 2026-02-01. Review status: criteria provided, single submitter. Criteria: Invitae Variant Classification Sherloc (09022015). Collection method: clinical testing. Allele origin: germline.

Mayo Clinic Laboratories, Mayo Clinic
Classification: Benign. Last evaluated: 2025-09-29. Review status: criteria provided, single submitter. Criteria: ACMG Guidelines, 2015. Collection method: clinical testing. Allele origin: germline. Observed: 1 variant allele.
Comment: BS1, BS2

Ambry Genetics
Classification: Uncertain significance for Inborn genetic diseases. Last evaluated: 2021-10-18. Review status: criteria provided, single submitter. Criteria: Ambry Variant Classification Scheme 2023. Collection method: clinical testing. Allele origin: germline.

Illumina Laboratory Services, Illumina
Classification: Likely benign for Sideroblastic anemia 2. Last evaluated: 2018-01-13. Review status: criteria provided, single submitter. Criteria: ICSL Variant Classification Criteria 13 December 2019. Collection method: clinical testing. Allele origin: germline.
Comment: This variant was observed in the ICSL laboratory as part of a predisposition screen in an ostensibly healthy population. It had not been previously curated by ICSL or reported in the Human Gene Mutation Database (HGMD: prior to June 1st, 2018), and was therefore a candidate for classification through an automated scoring system. Utilizing variant allele frequency, disease prevalence and penetrance estimates, and inheritance mode, an automated score was calculated to assess if this variant is too frequent to cause the disease. Based on the score and internal cut-off values, a variant classified as likely benign is not then subjected to further curation. The score for this variant resulted in a classification of likely benign for this disease.

GeneDx
Classification: Benign. Last evaluated: 2016-02-17. Review status: criteria provided, single submitter. Criteria: GeneDx Variant Classification (06012015). Collection method: clinical testing. Allele origin: germline. Affected: yes.
Comment: This variant is considered likely benign or benign based on one or more of the following criteria: it is a conservative change, it occurs at a poorly conserved position in the protein, it is predicted to be benign by multiple in silico algorithms, and/or has population frequency not consistent with disease.